The following is an entry in ClinVar:

NM_030631.4(SLC25A21):c.-210C>A

Genes: SLC25A21 (solute carrier family 25 member 21; minus strand), SLC25A21-AS1 (SLC25A21 antisense RNA 1; plus strand). Cytogenetic location: 14q13.3.
Variant type: single nucleotide variant.
Coding change: c.-210C>A on transcript NM_030631.4 (MANE Select); 210 bases upstream of the start codon, C replaced by A.
Molecular consequence: 5 prime UTR variant. On other transcripts: non-coding transcript variant (1).
Genome position (GRCh38, 1-based): chr14:37,172,560, G>T on the plus strand (C>A on the coding strand, the complement: SLC25A21 is on the minus strand). VCF-style: chr14-37172560-G-T. GRCh37 (hg19) VCF-style: chr14-37641765-G-T.
Other names: c.-210C>A (NM_001171170.2).
Identifiers: ClinVar variation 3024861 (VCV003024861.22), dbSNP rs45449092, ClinGen allele CA7159519.

ClinVar aggregate classification (germline): Benign (1 of 4 stars; one submission).

Allele frequency attached by ClinVar (database versions not stated): ExAC 0.00336; 1000 Genomes Project 0.00539; 1000 Genomes Project 30x 0.00609; gnomAD 0.01053; gnomAD exomes 0.01055.
gnomAD v4.1: 7,499 of 710,320 alleles (1.1%); highest among the groups gnomAD compares: Non-Finnish European, 1.1%; 74 homozygotes.

Submission:

CeGaT Center for Human Genetics Tuebingen
Classification: Benign. Last evaluated: 2026-09-01. Review status: criteria provided, single submitter. Criteria: CeGaT Center For Human Genetics Tuebingen Variant Classification Criteria Version 2. Collection method: clinical testing. Allele origin: germline. Affected: yes. Observed: 5 variant alleles.
Comment: SLC25A21-AS1: BS1, BS2